The following is an entry in ClinVar:

ClinVar aggregate classification (germline): Likely pathogenic. Review status: criteria provided, multiple submitters, no conflicts (2 of 4 stars). 7 submissions from 7 submitters: Likely pathogenic (5). 2 of the submissions do not count toward it. Last evaluated 2026-06-23.

Conditions:
beta Thalassemia (BTHAL). Also called: Cooley's anemia; Erythroblastic anemia; Mediterranean anemia. Identifiers: Orphanet 848, MedGen C0005283, MONDO:0019402. Disease mechanism: loss of function.
Beta-thalassemia HBB/LCRB. Identifiers: MedGen CN322236, MONDO:0013517, OMIM 613985.

Submissions (7):

Women's Health and Genetics/Laboratory Corporation of America, LabCorp
Classification: Likely pathogenic for beta Thalassemia. Last evaluated: 2026-06-23. Review status: criteria provided, single submitter. Criteria: LabCorp Variant Classification Summary - May 2015. Collection method: clinical testing. Allele origin: germline.
Comment: Variant summary: HBB c.91A>C (p.Arg31Arg) alters a conserved nucleotide located close to a canonical splice site and therefore could affect mRNA splicing, leading to a significantly altered protein sequence. Several computational tools predict a significant impact on normal splicing: Three predict the variant weakens a canonical 5' donor site and one predicts the variant abolishes the 5' splicing donor site. However, these predictions have yet to be confirmed by functional studies. The variant was absent in 251342 control chromosomes. c.91A>C has been observed in individuals affected with beta thalassemia (e.g. Schmugge_2008, Abedini_2018, Dissanayake_2022) and in at least one heterozygous individual with beta thalassemia trait (e.g. Waye_2002). It was also been reported in the compound heterozygous state in three fetuses from mothers who previously had borne a child affected with beta thalassemia (Aziz_2020). Altogether these data indicate that the variant is likely to be associated with disease. To our knowledge, no experimental evidence demonstrating an impact on protein function has been reported. The following publications have been ascertained in the context of this evaluation (PMID: 30451045, 33092414, 35705926, 18473247, 11939519). ClinVar contains an entry for this variant (Variation ID: 590773). Based on the evidence outlined above, the variant was classified as likely pathogenic.

Quest Diagnostics Nichols Institute San Juan Capistrano
Classification: Likely pathogenic. Last evaluated: 2025-09-05. Review status: criteria provided, single submitter. Criteria: Quest Diagnostics criteria. Collection method: clinical testing. Allele origin: unknown.
Comment: The HBB c.91A>C (p.Arg31=) synonymous variant (also known as Codon 30 IVS-I (-2) (A>C)) is located close to the intron 1 donor site, and may interfere with beta-globin mRNA splicing. In the published literature, a heterozygous carrier of this variant has been reported to have beta-thalassemia trait, while individuals carrying this variant and Hb S (HBB c.20A>T, p.Glu7Val) presented with beta(+)-thalassemia (PMID: 11939519 (2002), 18473247 (2008)). This variant has also been identified in a cohort of individuals with transfusion-dependent beta-thalassemia (PMID: 35705926 (2022)). This variant has not been reported in large, multi-ethnic general populations (Genome Aggregation Database). Analysis of this variant using software algorithms for the prediction of the effect of nucleotide changes on HBB mRNA splicing yielded inconclusive findings. Based on the available information, this variant is classified as likely pathogenic.

Dasa
Classification: Likely pathogenic. Last evaluated: 2025-08-02. Review status: criteria provided, single submitter. Criteria: DASA Assertion Criteria. Collection method: clinical testing. Allele origin: germline.
Comment: NM_000518.5(HBB):c.91A>C (p.Arg31=) is a synonymous variant predicted not to alter the encoded amino acid sequence. Segregation data support an association with disease in the reported family/families (PMID: 18473247). This variant has been reported in individuals with HBB-related disorders (PMID: 18473247). Also, this variant is absent from population databases. Computational evidence supports a deleterious effect. Based on the currently available evidence, this variant is classified as likely pathogenic.

Natera, Inc.
Classification: Likely pathogenic for Beta thalassemia. Last evaluated: 2025-02-18. Review status: criteria provided, single submitter. Criteria: Natera Variant Classification Schema (03/2026). Collection method: clinical testing. Allele origin: germline.
Comment: The c.91A>C variant in HBB is a synonymous variant that does not alter the encoded amino acid at position 31 (p.R31=). This variant is rare in the general population with a frequency below the threshold expected for the associated phenotype(s). This variant has been observed in one or more individuals affected with the associated recessive disease, as either homozygous or compound heterozygous with a second variant (PMID: 33092414, 30451045, 18473247). Additionally, this variant has been observed to segregate in affected family members (PMID: 18473247). Computational prediction algorithms indicate this variant is likely to affect gene or protein function. Given the available evidence, this variant is classified as Likely Pathogenic.

Core Molecular Diagnostic Lab, McGill University Health Centre
Classification: Likely pathogenic for Beta-thalassemia HBB/LCRB. Last evaluated: 2018-08-30. Review status: criteria provided, single submitter. Criteria: ACMG Guidelines, 2015. Collection method: clinical testing. Allele origin: germline. Inheritance: Autosomal recessive inheritance. Affected: no. Observed: 1 variant allele, 1 heterozygote.

MOLECULAR BIOLOGY AND HUMAN GENETICS DIVISION, THE UNIVERSITY OF BURDWAN
Classification: Pathogenic for Beta-thalassemia HBB/LCRB. Last evaluated: 2024-05-07. Review status: no assertion criteria provided. Collection method: clinical testing. Allele origin: germline. Affected: yes. Observed: 1 variant allele. Not counted in ClinVar's aggregate classification.
Comment: The variant HBB:c.91A>C is beta+ type of variant.When this variant present with other pathogenic HBB mutation leads to severe type of thalassemia. Patients needing blood transfusion, often presented with hepatosplenomegaly, Iron overload. The frequency of the variant among thalassemia patient in Eastern India is 0.09 % as per our multicentric project - A Genetic Diagnostic Algorithm Based Study for Thalassemia in Northern and Eastern Indian Populations, Funded by Dept. of Biotechnology , Govt of India [Project No. BT/PR26461/MED/12/821/2018]

The ITHANET community portal, The Cyprus Institute of Neurology and Genetics
Classification: Pathogenic for beta Thalassemia. Last evaluated: 2019-11-25. Review status: no assertion criteria provided. Collection method: curation. Allele origin: germline. Not counted in ClinVar's aggregate classification.

Literature cited by the submitters: PubMed 33092414 (cited by Women's Health and Genetics/Laboratory Corporation of America, LabCorp and Natera, Inc.); PubMed 30451045 (cited by Women's Health and Genetics/Laboratory Corporation of America, LabCorp and Natera, Inc.); PubMed 35705926 (cited by Women's Health and Genetics/Laboratory Corporation of America, LabCorp and Quest Diagnostics Nichols Institute San Juan Capistrano); PubMed 18473247 (cited by 6 submitters); PubMed 11939519 (cited by Women's Health and Genetics/Laboratory Corporation of America, LabCorp and Quest Diagnostics Nichols Institute San Juan Capistrano).

NM_000518.5(HBB):c.91A>C (p.Arg31=)

Genes: HBB (hemoglobin subunit beta; minus strand), LOC106099062 (HBB recombination region; plus strand), LOC107133510 (origin of replication at HBB; plus strand). Cytogenetic location: 11p15.4.
Variant type: single nucleotide variant.
Coding change: c.91A>C on transcript NM_000518.5 (MANE Select); coding-DNA position 91, A replaced by C.
Protein change: p.Arg31=; no amino-acid change (arginine 31 retained).
Molecular consequence: synonymous variant.
Genome position (GRCh38, 1-based): chr11:5,226,931, T>G on the plus strand (A>C on the coding strand, the complement: HBB is on the minus strand). VCF-style: chr11-5226931-T-G. GRCh37 (hg19) VCF-style: chr11-5248161-T-G.
Other names: CD 30 (A>C) or IVS I (-2) AGG>CGG [Arg>Arg].
Identifiers: ClinVar variation 590773 (VCV000590773.12), dbSNP rs35684407, ClinGen allele CA217115069.